The following is an entry in ClinVar:

ClinVar aggregate classification (germline): Likely pathogenic. Review status: criteria provided, multiple submitters, no conflicts (2 of 4 stars). 2 submissions from 2 submitters: Likely pathogenic (2). Last evaluated 2019-07-30.

Conditions:
Arthrogryposis. Identifiers: MedGen C0003886, MONDO:0008779.
Fibrosis of extraocular muscles, congenital, 5 (CFEOM5). Identifiers: Orphanet 233, Orphanet 91411, MedGen C4015552, MONDO:0014538, OMIM 616219.

Allele frequency attached by ClinVar (database versions not stated): gnomAD exomes 0.00001; gnomAD 0.00001; TOPMed 0.00001.
gnomAD v4.1: 11 of 1,607,392 alleles (0.00068%); highest among the groups gnomAD compares: South Asian, 0.0011%; no homozygotes.

Submissions (2):

Revvity Omics, Revvity
Classification: Likely pathogenic for Fibrosis of extraocular muscles, congenital, 5. Last evaluated: 2019-07-30. Review status: criteria provided, single submitter. Criteria: ACMG Guidelines, 2015. Collection method: clinical testing. Allele origin: germline.

Suma Genomics
Classification: Likely pathogenic for Arthrogryposis. Review status: criteria provided, single submitter. Criteria: ACMG Guidelines, 2015. Collection method: clinical testing. Allele origin: germline. Inheritance: Autosomal recessive inheritance. Affected: yes. Observed: 1 homozygote.
Comment: A stop-gain variant c.382C>T, p.(Arg128Ter) is observed in exon 4 of COL25A1 in homozygous state. This variant is observed in one individual in heterozygous state in the gnomAD database. This variant is reported in the ClinVar database as likely pathogenic (ClinVar id. 1324108). Recently, a published report indicates biallelic variants in COL25A1 are associated with arthrogryposis multiplex congenital ocular congenital cranial dysinnervation disorder (PMID:35077597). ACMG criteria: PVS1 and PM2_Supporting

NM_198721.4(COL25A1):c.382C>T (p.Arg128Ter)

Gene: COL25A1 (collagen type XXV alpha 1 chain; minus strand). Cytogenetic location: 4q25.
Variant type: single nucleotide variant.
Coding change: c.382C>T on transcript NM_198721.4 (MANE Select); coding-DNA position 382, C replaced by T.
Protein change: p.Arg128Ter; replaces arginine 128 with a stop codon.
Molecular consequence: nonsense. On other transcripts: non-coding transcript variant (1).
Genome position (GRCh38, 1-based): chr4:109,050,165, G>A on the plus strand (C>T on the coding strand, the complement: COL25A1 is on the minus strand). VCF-style: chr4-109050165-G-A. GRCh37 (hg19) VCF-style: chr4-109971321-G-A.
Other names: c.382C>T, p.Arg128Ter (NM_001256074.3, NM_032518.4); short protein forms R128*.
Identifiers: ClinVar variation 1324108 (VCV001324108.5), dbSNP rs1274380766, ClinGen allele CA357980128.
Genomic context (GRCh38, chr4:109,050,165, plus strand): 5'-TGACACAGAGCAGCTGAAAGAGAGACTTACCAGATTCTCCTCTTCGGCCTCTCTTACCTC[G>A]TTTCCCTGGAGGGCCTGAAATACAAAGGATAATTTTTTTAGTGTAGTTTAATTCTTTTTC-3'